The following is an entry in ClinVar:

ClinVar aggregate classification (germline): Pathogenic/Likely pathogenic. Review status: criteria provided, multiple submitters, no conflicts (2 of 4 stars). 2 submissions from 2 submitters: Pathogenic (1); Likely pathogenic (1). Last evaluated 2023-04-09.

Conditions:
Congenital sideroblastic anemia-B-cell immunodeficiency-periodic fever-developmental delay syndrome. Also called: Sideroblastic anemia with B-cell immunodeficiency, periodic fevers, and developmental delay. Identifiers: Orphanet 369861, MedGen C4015172, MONDO:0014487, OMIM 616084.

Allele frequency attached by ClinVar (database versions not stated): gnomAD exomes below 0.00001.

Submissions (2):

Labcorp Genetics (formerly Invitae), Labcorp
Classification: Pathogenic for Congenital sideroblastic anemia-B-cell immunodeficiency-periodic fever-developmental delay syndrome. Last evaluated: 2023-04-09. Review status: criteria provided, single submitter. Criteria: Invitae Variant Classification Sherloc (09022015). Collection method: clinical testing. Allele origin: germline.
Comment: For these reasons, this variant has been classified as Pathogenic. ClinVar contains an entry for this variant (Variation ID: 452901). This variant has not been reported in the literature in individuals affected with TRNT1-related conditions. This variant is not present in population databases (gnomAD no frequency). This sequence change creates a premature translational stop signal (p.Leu125Tyrfs*14) in the TRNT1 gene. It is expected to result in an absent or disrupted protein product. Loss-of-function variants in TRNT1 are known to be pathogenic (PMID: 25193871).

GeneDx
Classification: Likely pathogenic. Last evaluated: 2017-10-25. Review status: criteria provided, single submitter. Criteria: GeneDx Variant Classification (06012015). Collection method: clinical testing. Allele origin: germline. Affected: yes.
Comment: The c.373delC variant has not been published as a pathogenic variant, nor has it been reported as a benign variant to our knowledge. The c.373delC variant is not observed in large population cohorts (Lek et al., 2016). The deletion causes a frameshift starting with codon Lysine 125, changes this amino acid to a Tyrosine residue and creates a premature Stop codon at position 14 of the new reading frame, denoted p.Lys125TyrfsX14. This variant is predicted to cause loss of normal protein function either through protein truncation or nonsense-mediated mRNA decay. In summary, we interpret this variant as likely pathogenic.

Literature cited by the submitters: PubMed 25193871 (cited by Labcorp Genetics (formerly Invitae), Labcorp).

NM_182916.3(TRNT1):c.373del (p.Leu125fs)

Gene: TRNT1 (tRNA nucleotidyl transferase 1; plus strand). Cytogenetic location: 3p26.2.
Variant type: Deletion.
Coding change: c.373del on transcript NM_182916.3 (MANE Select); coding-DNA position 373, one base deleted (C; older notation c.373delC).
Protein change: p.Leu125fs; shifts the reading frame from leucine 125.
Molecular consequence: frameshift variant. On other transcripts: non-coding transcript variant (6).
Genome position (GRCh38, 1-based): chr3:3,140,540, C deleted. VCF-style (leftmost placement, unchanged base first): chr3-3140539-AC-A. GRCh37 (hg19) VCF-style: chr3-3182223-AC-A.
Other names: c.373del, p.Leu125fs (LRG_1314t1, NM_001302946.2, NM_001367321.1 and 2 more transcripts); short protein forms L125fs.
Identifiers: ClinVar variation 452901 (VCV000452901.6), dbSNP rs1553554007, ClinGen allele CA658657264.